The following is an entry in ClinVar:

NM_003108.4(SOX11):c.259T>C (p.Trp87Arg)

Gene: SOX11 (SRY-box transcription factor 11; plus strand). Cytogenetic location: 2p25.2.
Variant type: single nucleotide variant.
Coding change: c.259T>C on transcript NM_003108.4 (MANE Select); coding-DNA position 259, T replaced by C.
Protein change: p.Trp87Arg; replaces tryptophan 87 with arginine.
Molecular consequence: missense variant.
Genome position (GRCh38, 1-based): chr2:5,692,980, T>C. VCF-style: chr2-5692980-T-C. GRCh37 (hg19) VCF-style: chr2-5833112-T-C.
Other names: short protein forms W87R.
Identifiers: ClinVar variation 2443018 (VCV002443018.2), dbSNP rs2465087460, ClinGen allele CA345866306.

ClinVar aggregate classification (germline): Likely pathogenic. Review status: criteria provided, multiple submitters, no conflicts (2 of 4 stars). 2 submissions from 2 submitters: Likely pathogenic (2). Last evaluated 2023-03-09.

Conditions:
Intellectual developmental disorder with microcephaly and with or without ocular malformations or hypogonadotropic hypogonadism. Also called: Coffin-Siris Syndrome 9; Intellectual disability, autosomal dominant 27. Identifiers: Orphanet 1465, MedGen C4014528, MONDO:0014376, OMIM 615866.
SOX11-related disorder. Also called: SOX11-related condition.

Submissions (2):

SIB Swiss Institute of Bioinformatics
Classification: Likely pathogenic for Intellectual developmental disorder with microcephaly and with or without ocular malformations or hypogonadotropic hypogonadism. Last evaluated: 2023-03-09. Review status: criteria provided, single submitter. Criteria: ACMG Guidelines, 2015. Collection method: curation. Allele origin: unknown.
Comment: This variant is interpreted as likely pathogenic for Intellectual developmental disorder with microcephaly and with or without ocular malformations or hypogonadotropic hypogonadism, autosomal dominant. The following ACMG Tag(s) were applied: Absent from controls (or at extremely low frequency if recessive) in Exome Sequencing Project, 1000 Genomes Project, or Exome Aggregation Consortium (PM2); De novo paternity and maternity not confirmed (PM6 upgraded to strong; 2 de novo occurrences); Located in a mutational hot spot and/or critical and well-established functional domain (e.g., active site of an enzyme) without benign variation (PM1); Multiple lines of computational evidence support a deleterious effect on the gene or gene product (PP3).

Blueprint Genetics
Classification: Likely pathogenic for SOX11-related disorders. Last evaluated: 2021-08-30. Review status: criteria provided, single submitter. Criteria: ACMG Guidelines, 2015. Collection method: clinical testing. Allele origin: germline. Affected: yes. Observed: 1 variant allele.

Literature cited by the submitters: PubMed 35341651 (cited by SIB Swiss Institute of Bioinformatics).